The following is an entry in ClinVar:

ClinVar aggregate classification (germline): Conflicting classifications of pathogenicity. Review status: criteria provided, conflicting classifications (1 of 4 stars). 4 submissions from 4 submitters: Uncertain significance (2); Benign (1); Likely benign (1). Last evaluated 2026-01-17.

Conditions:
Klippel-Feil syndrome 1, autosomal dominant (KFS1). Also called: CERVICAL VERTEBRAL FUSION, AUTOSOMAL DOMINANT. Identifiers: Orphanet 2345, MedGen C1861689, MONDO:0007306, OMIM 118100.
Leber congenital amaurosis 17 (LCA17). Identifiers: Orphanet 65, MedGen C3715164, MONDO:0014145, OMIM 615360.
Microphthalmia, isolated, with coloboma 6 (MCOPCB6). Also called: Microphthalmia with coloboma 6, digenic; Microphthalmia with coloboma 6; MICROPHTHALMIA/COLOBOMA 6. Identifiers: Orphanet 98938, MedGen C3150968, MONDO:0013376, OMIM 613703.
Isolated microphthalmia 4. Identifiers: Orphanet 2542, MedGen C2751307, MONDO:0013130, OMIM 613094.
Inborn genetic diseases. Identifiers: MedGen C0950123, MeSH D030342.
GDF6-related disorder. Also called: GDF6-related condition.

Allele frequency attached by ClinVar (database versions not stated): gnomAD exomes 0.00005 and 0.00008; ExAC 0.00010; gnomAD 0.00022 and 0.00025; TOPMed 0.00030; ESP Exome Variant Server 0.00031; 1000 Genomes Project 30x 0.00109; 1000 Genomes Project 0.00140.
gnomAD v4.1: 114 of 1,613,832 alleles (0.0071%); highest among the groups gnomAD compares: African/African-American, 0.13%; 1 homozygote.

Submissions (4):

Labcorp Genetics (formerly Invitae), Labcorp
Classification: Benign for Isolated microphthalmia 4; Leber congenital amaurosis 17; Klippel-Feil syndrome 1, autosomal dominant; Microphthalmia, isolated, with coloboma 6. Last evaluated: 2026-01-17. Review status: criteria provided, single submitter. Criteria: Invitae Variant Classification Sherloc (09022015). Collection method: clinical testing. Allele origin: germline.

Ambry Genetics
Classification: Uncertain significance for Inborn genetic diseases. Last evaluated: 2025-08-01. Review status: criteria provided, single submitter. Criteria: Ambry Variant Classification Scheme 2023. Collection method: clinical testing. Allele origin: germline.

PreventionGenetics, part of Exact Sciences
Classification: Uncertain significance for GDF6-related condition. Last evaluated: 2025-07-23. Review status: criteria provided, single submitter. Criteria: ACMG Guidelines, 2015. Collection method: clinical testing. Allele origin: germline.
Comment: The GDF6 c.250G>A variant is predicted to result in the amino acid substitution p.Glu84Lys. To our knowledge, this variant has not been reported in the literature. This variant is reported in 0.071% of alleles in individuals of African descent in gnomAD. Although we suspect that this variant may be benign, at this time, the clinical significance of this variant is uncertain due to the absence of conclusive functional and genetic evidence.

Illumina Laboratory Services, Illumina
Classification: Likely benign for Klippel-Feil syndrome 1, autosomal dominant. Last evaluated: 2018-01-12. Review status: criteria provided, single submitter. Criteria: ICSL Variant Classification Criteria 13 December 2019. Collection method: clinical testing. Allele origin: germline.
Comment: This variant was observed in the ICSL laboratory as part of a predisposition screen in an ostensibly healthy population. It had not been previously curated by ICSL or reported in the Human Gene Mutation Database (HGMD: prior to June 1st, 2018), and was therefore a candidate for classification through an automated scoring system. Utilizing variant allele frequency, disease prevalence and penetrance estimates, and inheritance mode, an automated score was calculated to assess if this variant is too frequent to cause the disease. Based on the score and internal cut-off values, a variant classified as likely benign is not then subjected to further curation. The score for this variant resulted in a classification of likely benign for this disease.

NM_001001557.4(GDF6):c.250G>A (p.Glu84Lys)

Gene: GDF6 (growth differentiation factor 6; minus strand). Cytogenetic location: 8q22.1.
Variant type: single nucleotide variant.
Coding change: c.250G>A on transcript NM_001001557.4 (MANE Select); coding-DNA position 250, G replaced by A.
Protein change: p.Glu84Lys; replaces glutamic acid 84 with lysine.
Molecular consequence: missense variant.
Genome position (GRCh38, 1-based): chr8:96,160,443, C>T on the plus strand (G>A on the coding strand, the complement: GDF6 is on the minus strand). VCF-style: chr8-96160443-C-T. GRCh37 (hg19) VCF-style: chr8-97172671-C-T.
Other names: c.250G>A (NM_001001557.3); short protein forms E84K.
Identifiers: ClinVar variation 914077 (VCV000914077.15), dbSNP rs148321868, ClinGen allele CA4815519.